The following is an entry in ClinVar:

NM_152383.5(DIS3L2):c.34C>T (p.Pro12Ser)

Gene: DIS3L2 (DIS3 like 3'-5' exoribonuclease 2; plus strand). Cytogenetic location: 2q37.1.
Variant type: single nucleotide variant.
Coding change: c.34C>T on transcript NM_152383.5 (MANE Select); coding-DNA position 34, C replaced by T.
Protein change: p.Pro12Ser; replaces proline 12 with serine.
Molecular consequence: missense variant. On other transcripts: non-coding transcript variant (2).
Genome position (GRCh38, 1-based): chr2:232,014,961, C>T. VCF-style: chr2-232014961-C-T. GRCh37 (hg19) VCF-style: chr2-232879671-C-T.
Other names: c.34C>T, p.Pro12Ser (NM_001257281.2, NM_001257282.2); short protein forms P12S.
Identifiers: ClinVar variation 334928 (VCV000334928.19), dbSNP rs723044, ClinGen allele CA2163691.

ClinVar aggregate classification (germline): Benign. Review status: criteria provided, multiple submitters, no conflicts (2 of 4 stars). 6 submissions from 6 submitters: Benign (6). Last evaluated 2026-02-04.

Conditions:
Perlman syndrome (PRLMNS). Identifiers: Orphanet 2849, MedGen C0796113, MONDO:0009965, OMIM 267000.

Allele frequency attached by ClinVar (database versions not stated): gnomAD 0.07683; ESP Exome Variant Server 0.08118; TOPMed 0.08608; 1000 Genomes Project 0.08946; 1000 Genomes Project 30x 0.09244.
gnomAD v4.1: 62,268 of 1,613,506 alleles (3.9%); highest among the groups gnomAD compares: African/African-American, 20%; 2,550 homozygotes.

Submissions (6):

Labcorp Genetics (formerly Invitae), Labcorp
Classification: Benign for Perlman syndrome. Last evaluated: 2026-02-04. Review status: criteria provided, single submitter. Criteria: Invitae Variant Classification Sherloc (09022015). Collection method: clinical testing. Allele origin: germline.

Blueprint Genetics
Classification: Benign. Last evaluated: 2024-11-26. Review status: criteria provided, single submitter. Criteria: ACMG Guidelines, 2015. Collection method: clinical testing. Allele origin: germline.

Mayo Clinic Laboratories, Mayo Clinic
Classification: Benign. Last evaluated: 2021-04-25. Review status: criteria provided, single submitter. Criteria: ACMG Guidelines, 2015. Collection method: clinical testing. Allele origin: germline. Observed: 27 variant alleles.

GeneDx
Classification: Benign. Last evaluated: 2019-02-24. Review status: criteria provided, single submitter. Criteria: GeneDx Variant Classification Process June 2021. Collection method: clinical testing. Allele origin: germline. Affected: yes.

Illumina Laboratory Services, Illumina
Classification: Benign for Perlman syndrome. Last evaluated: 2018-01-13. Review status: criteria provided, single submitter. Criteria: ICSL Variant Classification Criteria 13 December 2019. Collection method: clinical testing. Allele origin: germline.
Comment: This variant was observed in the ICSL laboratory as part of a predisposition screen in an ostensibly healthy population. It had not been previously curated by ICSL or reported in the Human Gene Mutation Database (HGMD: prior to June 1st, 2018), and was therefore a candidate for classification through an automated scoring system. Utilizing variant allele frequency, disease prevalence and penetrance estimates, and inheritance mode, an automated score was calculated to assess if this variant is too frequent to cause the disease. Based on the score and internal cut-off values, a variant classified as benign is not then subjected to further curation. The score for this variant resulted in a classification of benign for this disease.

Breakthrough Genomics
Classification: Benign. Review status: criteria provided, single submitter. Criteria: ACMG Guidelines, 2015. Collection method: not provided. Allele origin: germline. Inheritance: Autosomal recessive inheritance. Affected: yes.